The following is an entry in ClinVar:

ClinVar aggregate classification (germline): Uncertain significance (1 of 4 stars; one submission).

Allele frequency attached by ClinVar (database versions not stated): gnomAD exomes below 0.00001.

Submission:

Labcorp Genetics (formerly Invitae), Labcorp
Classification: Uncertain significance. Last evaluated: 2021-12-17. Review status: criteria provided, single submitter. Criteria: Invitae Variant Classification Sherloc (09022015). Collection method: clinical testing. Allele origin: germline.
Comment: In summary, the available evidence is currently insufficient to determine the role of this variant in disease. Therefore, it has been classified as a Variant of Uncertain Significance. Algorithms developed to predict the effect of missense changes on protein structure and function (SIFT, PolyPhen-2, Align-GVGD) all suggest that this variant is likely to be disruptive. This variant has not been reported in the literature in individuals affected with DMXL2-related conditions. This variant is not present in population databases (gnomAD no frequency). This sequence change replaces methionine, which is neutral and non-polar, with threonine, which is neutral and polar, at codon 1193 of the DMXL2 protein (p.Met1193Thr).

NM_001378457.1(DMXL2):c.3578T>C (p.Met1193Thr)

Gene: DMXL2 (Dmx like 2; minus strand). Cytogenetic location: 15q21.2.
Variant type: single nucleotide variant.
Coding change: c.3578T>C on transcript NM_001378457.1 (MANE Select); coding-DNA position 3578, T replaced by C.
Protein change: p.Met1193Thr; replaces methionine 1193 with threonine.
Molecular consequence: missense variant. On other transcripts: non-coding transcript variant (2), intron variant (2).
Genome position (GRCh38, 1-based): chr15:51,499,646, A>G on the plus strand (T>C on the coding strand, the complement: DMXL2 is on the minus strand). VCF-style: chr15-51499646-A-G. GRCh37 (hg19) VCF-style: chr15-51791843-A-G.
Other names: c.3578T>C, p.Met1193Thr (NM_001174116.3, NM_001378458.1, NM_001378459.1 and 4 more transcripts); c.3338T>C, p.Met1113Thr (NM_001378464.1); c.2764+7488T>C (NM_001378460.1); c.2765-4512T>C (NM_001174117.3); short protein forms M1113T, M1193T.
Identifiers: ClinVar variation 2044947 (VCV002044947.2), dbSNP rs2548508248, ClinGen allele CA392435298.